The following is an entry in ClinVar:

ClinVar aggregate classification (germline): Uncertain significance (1 of 4 stars; one submission).

Submission:

Ambry Genetics
Classification: Uncertain significance. Last evaluated: 2023-07-12. Review status: criteria provided, single submitter. Criteria: Ambry Variant Classification Scheme 2023. Collection method: clinical testing. Allele origin: germline.
Comment: The p.T985R variant (also known as c.2954C>G), located in coding exon 26 of the KIF1B gene, results from a C to G substitution at nucleotide position 2954. The threonine at codon 985 is replaced by arginine, an amino acid with similar properties. This amino acid position is conserved. In addition, this alteration is predicted to be deleterious by in silico analysis. Since supporting evidence is limited at this time, the clinical significance of this alteration remains unclear.

NM_001365951.3(KIF1B):c.3092C>G (p.Thr1031Arg)

Gene: KIF1B (kinesin family member 1B; plus strand). Cytogenetic location: 1p36.22.
Variant type: single nucleotide variant.
Coding change: c.3092C>G on transcript NM_001365951.3 (MANE Select); coding-DNA position 3092, C replaced by G.
Protein change: p.Thr1031Arg; replaces threonine 1031 with arginine.
Molecular consequence: missense variant.
Genome position (GRCh38, 1-based): chr1:10,336,705, C>G. VCF-style: chr1-10336705-C-G. GRCh37 (hg19) VCF-style: chr1-10396763-C-G.
Other names: c.3092C>G, p.Thr1031Arg (NM_001365952.1); c.2954C>G, p.Thr985Arg (NM_015074.3); short protein forms T1031R, T985R.
Identifiers: ClinVar variation 2625705 (VCV002625705.2), dbSNP rs2521715853, ClinGen allele CA338339383.